The following is an entry in ClinVar:

ClinVar aggregate classification (germline): Uncertain significance. Review status: criteria provided, multiple submitters, no conflicts (2 of 4 stars). 2 submissions from 2 submitters: Uncertain significance (2). Last evaluated 2026-05-27.

Conditions:
Duchenne muscular dystrophy (DMD). Also called: Duchenne Muscular Dystrophy (DMD); MUSCULAR DYSTROPHY, PSEUDOHYPERTROPHIC PROGRESSIVE, DUCHENNE TYPE. Identifiers: Orphanet 98896, MedGen C0013264, MONDO:0010679, OMIM 310200.
Cardiovascular phenotype. Identifiers: MedGen CN230736.

gnomAD v4.1: 2 of 1,206,589 alleles (0.00017%); highest among the groups gnomAD compares: Non-Finnish European, 0.00022%; no homozygotes.

Submissions (2):

Ambry Genetics
Classification: Uncertain significance for Cardiovascular phenotype. Last evaluated: 2026-05-27. Review status: criteria provided, single submitter. Criteria: Ambry Variant Classification Scheme 2023. Collection method: clinical testing. Allele origin: germline.

Labcorp Genetics (formerly Invitae), Labcorp
Classification: Uncertain significance for Duchenne muscular dystrophy. Last evaluated: 2024-07-23. Review status: criteria provided, single submitter. Criteria: Invitae Variant Classification Sherloc (09022015). Collection method: clinical testing. Allele origin: germline.
Comment: This sequence change replaces aspartic acid, which is acidic and polar, with tyrosine, which is neutral and polar, at codon 1165 of the DMD protein (p.Asp1165Tyr). This variant is not present in population databases (gnomAD no frequency). This variant has not been reported in the literature in individuals affected with DMD-related conditions. Advanced modeling of protein sequence and biophysical properties (such as structural, functional, and spatial information, amino acid conservation, physicochemical variation, residue mobility, and thermodynamic stability) performed at Invitae indicates that this missense variant is not expected to disrupt DMD protein function with a negative predictive value of 95%. In summary, the available evidence is currently insufficient to determine the role of this variant in disease. Therefore, it has been classified as a Variant of Uncertain Significance.

NM_004006.3(DMD):c.3493G>T (p.Asp1165Tyr)

Gene: DMD (dystrophin; minus strand). Cytogenetic location: Xp21.1.
Variant type: single nucleotide variant.
Coding change: c.3493G>T on transcript NM_004006.3 (MANE Select); coding-DNA position 3493, G replaced by T.
Protein change: p.Asp1165Tyr; replaces aspartic acid 1165 with tyrosine.
Molecular consequence: missense variant.
Genome position (GRCh38, 1-based): chrX:32,454,772, C>A on the plus strand (G>T on the coding strand, the complement: DMD is on the minus strand). VCF-style: chrX-32454772-C-A. GRCh37 (hg19) VCF-style: chrX-32472889-C-A.
Other names: c.3469G>T, p.Asp1157Tyr (NM_000109.4); c.3481G>T, p.Asp1161Tyr (NM_004009.3); c.3124G>T, p.Asp1042Tyr (NM_004010.3); short protein forms D1165Y, D1042Y, D1161Y, D1157Y.
Identifiers: ClinVar variation 3719093 (VCV003719093.3).